The following is an entry in ClinVar:

NM_001083962.2(TCF4):c.107G>C (p.Gly36Ala)

Gene: TCF4 (transcription factor 4; minus strand). Cytogenetic location: 18q21.2.
Variant type: single nucleotide variant.
Coding change: c.107G>C on transcript NM_001083962.2 (MANE Select); coding-DNA position 107, G replaced by C.
Protein change: p.Gly36Ala; replaces glycine 36 with alanine.
Molecular consequence: missense variant.
Genome position (GRCh38, 1-based): chr18:55,585,318, C>G on the plus strand (G>C on the coding strand, the complement: TCF4 is on the minus strand). VCF-style: chr18-55585318-C-G. GRCh37 (hg19) VCF-style: chr18-53252549-C-G.
Other names: c.413G>C, p.Gly138Ala (NM_001243226.3); c.35G>C, p.Gly12Ala (NM_001243227.2, NM_001306207.1, NM_001348217.1 and 15 more transcripts); c.107G>C, p.Gly36Ala (NM_001243228.2, NM_001330604.3, NM_001369567.1 and 8 more transcripts); c.101G>C, p.Gly34Ala (NM_001243230.2); short protein forms G12A, G34A, G36A, G138A.
Identifiers: ClinVar variation 1786106 (VCV001786106.2), dbSNP rs2097629411, ClinGen allele CA402704079.

ClinVar aggregate classification (germline): Uncertain significance (1 of 4 stars; one submission).

Conditions:
Inborn genetic diseases. Identifiers: MedGen C0950123, MeSH D030342.

Submission:

Ambry Genetics
Classification: Uncertain significance for Inborn genetic diseases. Last evaluated: 2019-09-09. Review status: criteria provided, single submitter. Criteria: Ambry Variant Classification Scheme 2023. Collection method: clinical testing. Allele origin: germline.
Comment: The p.G36A variant (also known as c.107G>C), located in coding exon 2 of the TCF4 gene, results from a G to C substitution at nucleotide position 107. The glycine at codon 36 is replaced by alanine, an amino acid with similar properties. This amino acid position is highly conserved in available vertebrate species. In addition, the in silico prediction for this alteration is inconclusive. Since supporting evidence is limited at this time, the clinical significance of this alteration remains unclear.